The following is an entry in ClinVar:

ClinVar aggregate classification (germline): Benign/Likely benign. Review status: criteria provided, multiple submitters, no conflicts (2 of 4 stars). 5 submissions from 5 submitters: Benign (1); Likely benign (2). 2 of the submissions do not count toward it. Last evaluated 2025-03-20.

Conditions:
Inborn genetic diseases. Identifiers: MedGen C0950123, MeSH D030342.
Developmental cataract. Also called: Congenital cataract; Bilateral cataracts; Congenital cataracts. Identifiers: MedGen C0009691, HP:0000519.
Oculofaciocardiodental syndrome (MCOPS2). Identifiers: Orphanet 2712, MedGen C1846265, MONDO:0010261, OMIM 300166.

Allele frequency attached by ClinVar (database versions not stated): ESP Exome Variant Server 0.00009; gnomAD 0.00013 and 0.00014; TOPMed 0.00017; ExAC 0.00025; gnomAD exomes 0.00027.
gnomAD v4.1: 147 of 1,210,611 alleles (0.012%); highest among the groups gnomAD compares: Non-Finnish European, 0.0018%; no homozygotes.

Submissions (5):

Labcorp Genetics (formerly Invitae), Labcorp
Classification: Benign for Oculofaciocardiodental syndrome. Last evaluated: 2025-03-20. Review status: criteria provided, single submitter. Criteria: Invitae Variant Classification Sherloc (09022015). Collection method: clinical testing. Allele origin: germline.

CeGaT Center for Human Genetics Tuebingen
Classification: Likely benign. Last evaluated: 2024-08-01. Review status: criteria provided, single submitter. Criteria: CeGaT Center For Human Genetics Tuebingen Variant Classification Criteria Version 2. Collection method: clinical testing. Allele origin: germline. Affected: yes. Observed: 1 variant allele.
Comment: BCOR: BS2

Ambry Genetics
Classification: Likely benign for Inborn genetic diseases. Last evaluated: 2022-06-13. Review status: criteria provided, single submitter. Criteria: Ambry Variant Classification Scheme 2023. Collection method: clinical testing. Allele origin: germline.

Eye Genetics Research Group, Children's Medical Research Institute
Classification: Uncertain significance for Developmental cataract. Last evaluated: 2015-01-09. Review status: no assertion criteria provided. Collection method: research. Allele origin: unknown. Affected: yes. Not counted in ClinVar's aggregate classification.

ITMI
No classification provided. Condition: AllHighlyPenetrant. Last evaluated: 2013-09-19. Review status: no classification provided. Collection method: reference population. Allele origin: germline. Not counted in ClinVar's aggregate classification.
Comment: Please see associated publication for description of ethnicities

Literature cited by the submitters: PubMed 26694549 (cited by Eye Genetics Research Group, Children's Medical Research Institute); PubMed 24728327 (cited by ITMI).

NM_001123385.2(BCOR):c.3277G>A (p.Glu1093Lys)

Gene: BCOR (BCL6 corepressor; minus strand). Cytogenetic location: Xp11.4.
Variant type: single nucleotide variant.
Coding change: c.3277G>A on transcript NM_001123385.2 (MANE Select); coding-DNA position 3277, G replaced by A.
Protein change: p.Glu1093Lys; replaces glutamic acid 1093 with lysine.
Molecular consequence: missense variant.
Genome position (GRCh38, 1-based): chrX:40,064,561, C>T on the plus strand (G>A on the coding strand, the complement: BCOR is on the minus strand). VCF-style: chrX-40064561-C-T. GRCh37 (hg19) VCF-style: chrX-39923814-C-T.
Other names: c.3277G>A, p.Glu1093Lys (NM_001123383.2, NM_017745.6); c.3223G>A, p.Glu1075Lys (NM_001123384.2); short protein forms E1093K, E1075K.
Identifiers: ClinVar variation 133693 (VCV000133693.26), dbSNP rs144736705, ClinGen allele CA249799.